The following is an entry in ClinVar:

NM_152468.5(TMC8):c.215C>A (p.Thr72Lys)

Genes: TMC6 (transmembrane channel like 6; minus strand), TMC8 (transmembrane channel like 8; plus strand), LOC130061792 (ATAC-STARR-seq lymphoblastoid silent region 9043; plus strand). Cytogenetic location: 17q25.3.
Variant type: single nucleotide variant.
Coding change: c.215C>A on transcript NM_152468.5 (MANE Select); coding-DNA position 215, C replaced by A.
Protein change: p.Thr72Lys; replaces threonine 72 with lysine.
Molecular consequence: missense variant. On other transcripts: intron variant (1).
Genome position (GRCh38, 1-based): chr17:78,131,947, C>A. VCF-style: chr17-78131947-C-A. GRCh37 (hg19) VCF-style: chr17-76128028-C-A.
Other names: c.-75+394G>T (NM_007267.7); short protein forms T72K.
Identifiers: ClinVar variation 1521078 (VCV001521078.8), dbSNP rs2074997230, ClinGen allele CA401239875.

ClinVar aggregate classification (germline): Uncertain significance (1 of 4 stars; one submission).

Conditions:
Epidermodysplasia verruciformis. Identifiers: Orphanet 302, MedGen C0014522, MONDO:0009176.

Submission:

Labcorp Genetics (formerly Invitae), Labcorp
Classification: Uncertain significance for Epidermodysplasia verruciformis. Last evaluated: 2022-09-01. Review status: criteria provided, single submitter. Criteria: Invitae Variant Classification Sherloc (09022015). Collection method: clinical testing. Allele origin: germline.
Comment: This sequence change replaces threonine, which is neutral and polar, with lysine, which is basic and polar, at codon 72 of the TMC8 protein (p.Thr72Lys). This variant is not present in population databases (gnomAD no frequency). This variant has not been reported in the literature in individuals affected with TMC8-related conditions. ClinVar contains an entry for this variant (Variation ID: 1521078). Algorithms developed to predict the effect of missense changes on protein structure and function (SIFT, PolyPhen-2, Align-GVGD) all suggest that this variant is likely to be tolerated. In summary, the available evidence is currently insufficient to determine the role of this variant in disease. Therefore, it has been classified as a Variant of Uncertain Significance.